The following is an entry in ClinVar:

ClinVar aggregate classification (germline): Benign. Review status: criteria provided, multiple submitters, no conflicts (2 of 4 stars). 10 submissions from 10 submitters: Benign (8). 2 of the submissions do not count toward it. Last evaluated 2026-07-01.

Conditions:
Glycogen storage disease, type II (IOPD). Also called: GLYCOGENOSIS, GENERALIZED, CARDIAC FORM; GSD II; Glycogen storage disease type 2; Acid maltase deficiency disease; Aglucosidase alfa; Deficiency of alpha-glucosidase. Identifiers: Orphanet 365, MedGen C0017921, MONDO:0009290, OMIM 232300.

Allele frequency attached by ClinVar (database versions not stated): gnomAD 0.65092 and 0.65417; gnomAD exomes 0.66174 and 0.71121; ESP Exome Variant Server 0.66360; ExAC 0.67407; 1000 Genomes Project 30x 0.59916; 1000 Genomes Project 0.60104; TOPMed 0.63544.
gnomAD v4.1: 1,135,665 of 1,609,190 alleles (71%); highest among the groups gnomAD compares: Middle Eastern, 80%; 404,580 homozygotes.

Submissions (10):

Genomenon, Inc
Classification: Benign for Glycogen storage disease, type II. Last evaluated: 2026-07-01. Review status: criteria provided, single submitter. Criteria: Genomenon Sequence Variant Interpretation Standards - Updated. Collection method: curation. Allele origin: germline. Affected: no.
Comment: GAA c.858+30T>C is an intronic variant located in intron 4. This variant is present at high allele frequency in population databases. We classify GAA c.858+30T>C as a benign variant.

Mayo Clinic Laboratories, Mayo Clinic
Classification: Benign. Last evaluated: 2022-05-05. Review status: criteria provided, single submitter. Criteria: ACMG Guidelines, 2015. Collection method: clinical testing. Allele origin: germline. Observed: 772 variant alleles.

Genome-Nilou Lab
Classification: Benign for Glycogen storage disease, type II. Last evaluated: 2021-07-08. Review status: criteria provided, single submitter. Criteria: ACMG Guidelines, 2015. Collection method: clinical testing. Allele origin: germline. Affected: no.

Women's Health and Genetics/Laboratory Corporation of America, LabCorp
Classification: Benign. Last evaluated: 2017-11-30. Review status: criteria provided, single submitter. Criteria: LabCorp Variant Classification Summary - May 2015. Collection method: clinical testing. Allele origin: germline.
Comment: Variant summary: The GAA c.858+30T>C variant involves the alteration of a intronic nucleotide. One in silico tool predicts a benign outcome for this variant. 5/5 splice prediction tools predict no significant impact on normal splicing. However, these predictions have yet to be confirmed by functional studies. This variant was found in 176950/267292 control chromosomes (59783 homozygotes) at a frequency of 0.6620101, which indicates this is the major allele (the allele most commonly observed in the general population). In addition, multiple clinical diagnostic laboratories/reputable databases classified this variant as benign. Taken together, this variant is classified as benign.

GeneDx
Classification: Benign. Last evaluated: 2015-03-03. Review status: criteria provided, single submitter. Criteria: GeneDx Variant Classification Process June 2021. Collection method: clinical testing. Allele origin: germline. Affected: yes.

Eurofins Ntd Llc (ga)
Classification: Benign. Last evaluated: 2013-12-06. Review status: criteria provided, single submitter. Criteria: EGL Classification Definitions 2015. Collection method: clinical testing. Allele origin: germline. Observed: 50 variant alleles, 21 heterozygotes, 29 homozygotes.

Breakthrough Genomics
Classification: Benign. Review status: criteria provided, single submitter. Criteria: ACMG Guidelines, 2015. Collection method: not provided. Allele origin: germline. Inheritance: Autosomal recessive inheritance. Affected: yes.

PreventionGenetics, part of Exact Sciences
Classification: Benign. Review status: criteria provided, single submitter. Criteria: ACMG Guidelines, 2015. Collection method: clinical testing. Allele origin: germline.

Clinical Genetics DNA and cytogenetics Diagnostics Lab, Erasmus MC, Erasmus Medical Center
Classification: Benign. Review status: no assertion criteria provided. Collection method: clinical testing. Allele origin: germline. Affected: yes. Study: VKGL Data-share Consensus. Not counted in ClinVar's aggregate classification.

Joint Genome Diagnostic Labs from Nijmegen and Maastricht, Radboudumc and MUMC+
Classification: Benign. Review status: no assertion criteria provided. Collection method: clinical testing. Allele origin: germline. Affected: yes. Study: VKGL Data-share Consensus. Not counted in ClinVar's aggregate classification.

NM_000152.5(GAA):c.858+30T>C

Gene: GAA (alpha glucosidase; plus strand). Cytogenetic location: 17q25.3.
Variant type: single nucleotide variant.
Coding change: c.858+30T>C on transcript NM_000152.5 (MANE Select); 30 bases into the intron after coding-DNA position 858, T replaced by C.
Molecular consequence: intron variant.
Genome position (GRCh38, 1-based): chr17:80,107,752, T>C. VCF-style: chr17-80107752-T-C. GRCh37 (hg19) VCF-style: chr17-78081551-T-C.
Other names: p.?; c.858+30T>C (NM_001079803.3, NM_001079804.3, LRG_673t1).
Identifiers: ClinVar variation 167111 (VCV000167111.17), dbSNP rs2304845, ClinGen allele CA180076.